The following is an entry in ClinVar:

NM_152703.5(SAMD9L):c.4675G>T (p.Gly1559Cys)

Gene: SAMD9L (sterile alpha motif domain containing 9 like; minus strand). Cytogenetic location: 7q21.2.
Variant type: single nucleotide variant.
Coding change: c.4675G>T on transcript NM_152703.5 (MANE Select); coding-DNA position 4675, G replaced by T.
Protein change: p.Gly1559Cys; replaces glycine 1559 with cysteine.
Molecular consequence: missense variant.
Genome position (GRCh38, 1-based): chr7:93,131,297, C>A on the plus strand (G>T on the coding strand, the complement: SAMD9L is on the minus strand). VCF-style: chr7-93131297-C-A. GRCh37 (hg19) VCF-style: chr7-92760610-C-A.
Other names: c.4675G>T, p.Gly1559Cys (NM_001303496.3, NM_001303497.3, NM_001303498.3 and 5 more transcripts); short protein forms G1559C.
Identifiers: ClinVar variation 3950010 (VCV003950010.1).
Genomic context (GRCh38, chr7:93,131,297, plus strand): 5'-ATGCCAGAGGGCCTTCAATGGAAAATCCTAGGTAGAAAGACACTCTTTCTATGTTCCTAC[C>A]ACTTCTGAGTGGACCTGAATAAACAGATATTACTGGTATTTTTATTTTTTCCTCTGTTCC-3'
Protein context (NP_689916.2, residues 1549-1569): ISVYSGPLRS[Gly1559Cys]RNIERVSFYL

ClinVar aggregate classification (germline): Uncertain significance (1 of 4 stars; one submission).

Conditions:
Inborn genetic diseases. Identifiers: MedGen C0950123, MeSH D030342.

gnomAD v4.1: 1 of 1,612,082 alleles (0.000062%); highest among the groups gnomAD compares: Non-Finnish European, 0.000085%; no homozygotes.

Submission:

Ambry Genetics
Classification: Uncertain significance for Inborn genetic diseases. Last evaluated: 2025-06-09. Review status: criteria provided, single submitter. Criteria: Ambry Variant Classification Scheme 2023. Collection method: clinical testing. Allele origin: germline.
Comment: The p.G1559C variant (also known as c.4675G>T), located in coding exon 1 of the SAMD9L gene, results from a G to T substitution at nucleotide position 4675. The glycine at codon 1559 is replaced by cysteine, an amino acid with highly dissimilar properties. This amino acid position is conserved. In addition, the in silico prediction for this alteration is inconclusive. Based on the available evidence, the clinical significance of this variant remains unclear.